The following is an entry in ClinVar:

ClinVar aggregate classification (germline): Uncertain significance. Review status: criteria provided, multiple submitters, no conflicts (2 of 4 stars). 2 submissions from 2 submitters: Uncertain significance (2). Last evaluated 2025-04-01.

Conditions:
Spastic paraplegia. Identifiers: MedGen C0037772, HP:0001258.
ZFYVE26-related disorder. Also called: ZFYVE26-related condition.

Allele frequency attached by ClinVar (database versions not stated): gnomAD 0.00001.
gnomAD v4.1: 6 of 1,607,846 alleles (0.00037%); highest among the groups gnomAD compares: African/African-American, 0.0027%; no homozygotes.

Submissions (2):

PreventionGenetics, part of Exact Sciences
Classification: Uncertain significance for ZFYVE26-related condition. Last evaluated: 2025-04-01. Review status: criteria provided, single submitter. Criteria: ACMG Guidelines, 2015. Collection method: clinical testing. Allele origin: germline.
Comment: The ZFYVE26 c.4006T>C variant is predicted to result in the amino acid substitution p.Trp1336Arg. To our knowledge, this variant has not been reported in the literature. This variant is reported in 0.0062% of alleles in individuals of African descent in gnomAD. At this time, the clinical significance of this variant is uncertain due to the absence of conclusive functional and genetic evidence.

Labcorp Genetics (formerly Invitae), Labcorp
Classification: Uncertain significance for Spastic paraplegia. Last evaluated: 2021-08-24. Review status: criteria provided, single submitter. Criteria: Invitae Variant Classification Sherloc (09022015). Collection method: clinical testing. Allele origin: germline.
Comment: This sequence change replaces tryptophan with arginine at codon 1336 of the ZFYVE26 protein (p.Trp1336Arg). The tryptophan residue is highly conserved and there is a moderate physicochemical difference between tryptophan and arginine. This variant is not present in population databases (ExAC no frequency). This variant has not been reported in the literature in individuals affected with ZFYVE26-related conditions. Algorithms developed to predict the effect of missense changes on protein structure and function are either unavailable or do not agree on the potential impact of this missense change (SIFT: "Deleterious"; PolyPhen-2: "Probably Damaging"; Align-GVGD: "Class C0"). In summary, the available evidence is currently insufficient to determine the role of this variant in disease. Therefore, it has been classified as a Variant of Uncertain Significance.

NM_015346.4(ZFYVE26):c.4006T>C (p.Trp1336Arg)

Gene: ZFYVE26 (zinc finger FYVE-type containing 26; minus strand). Cytogenetic location: 14q24.1.
Variant type: single nucleotide variant.
Coding change: c.4006T>C on transcript NM_015346.4 (MANE Select); coding-DNA position 4006, T replaced by C.
Protein change: p.Trp1336Arg; replaces tryptophan 1336 with arginine.
Molecular consequence: missense variant.
Genome position (GRCh38, 1-based): chr14:67,783,146, A>G on the plus strand (T>C on the coding strand, the complement: ZFYVE26 is on the minus strand). VCF-style: chr14-67783146-A-G. GRCh37 (hg19) VCF-style: chr14-68249863-A-G.
Other names: c.4006T>C (NM_015346.3); short protein forms W1336R.
Identifiers: ClinVar variation 1013646 (VCV001013646.3), dbSNP rs755562098, ClinGen allele CA390171037.
Genomic context (GRCh38, chr14:67,783,146, plus strand): 5'-ACTCCCGGGCTACCTGCTCTGCAGCCAGAGGCACCTCCCTGCGGCCACGAAGTTCCTTCC[A>G]TGACAAGCTGGGTTTGCTGACCTTTAACCTCGGGGAAGCCCCCAGGCAGGCCACCGTAGC-3'
Protein context (NP_056161.2, residues 1326-1346): RLKVSKPSLS[Trp1336Arg]KELRGRREVP